The following is an entry in ClinVar:

NM_001543.5(NDST1):c.303G>A (p.Val101=)

Gene: NDST1 (N-deacetylase and N-sulfotransferase 1; plus strand). Cytogenetic location: 5q33.1.
Variant type: single nucleotide variant.
Coding change: c.303G>A on transcript NM_001543.5 (MANE Select); coding-DNA position 303, G replaced by A.
Protein change: p.Val101=; no amino-acid change (valine 101 retained).
Molecular consequence: synonymous variant.
Genome position (GRCh38, 1-based): chr5:150,521,557, G>A. VCF-style: chr5-150521557-G-A. GRCh37 (hg19) VCF-style: chr5-149901119-G-A.
Other names: c.303G>A, p.Val101= (NM_001301063.2).
Identifiers: ClinVar variation 747987 (VCV000747987.5), dbSNP rs777784083, ClinGen allele CA3512377.

ClinVar aggregate classification (germline): Likely benign. Review status: criteria provided, single submitter (1 of 4 stars). 2 submissions from 2 submitters: Likely benign (1). 1 of the submissions does not count toward it. Last evaluated 2018-08-27.

Conditions:
NDST1-related disorder. Also called: NDST1-related condition.

Allele frequency attached by ClinVar (database versions not stated): gnomAD exomes below 0.00001 and 0.00001; TOPMed below 0.00001; ExAC 0.00001; gnomAD 0.00001.
gnomAD v4.1: 10 of 1,613,904 alleles (0.00062%); highest among the groups gnomAD compares: Admixed American, 0.0083%; no homozygotes.

Submissions (2):

Labcorp Genetics (formerly Invitae), Labcorp
Classification: Likely benign. Last evaluated: 2018-08-27. Review status: criteria provided, single submitter. Criteria: Invitae Variant Classification Sherloc (09022015). Collection method: clinical testing. Allele origin: germline.

PreventionGenetics, part of Exact Sciences
Classification: Likely benign for NDST1-related condition. Last evaluated: 2019-10-28. Review status: no assertion criteria provided. Collection method: clinical testing. Allele origin: germline. Not counted in ClinVar's aggregate classification.
Comment: This variant is classified as likely benign based on ACMG/AMP sequence variant interpretation guidelines (Richards et al. 2015 PMID: 25741868, with internal and published modifications).